The following is an entry in ClinVar:

ClinVar aggregate classification (germline): Pathogenic (1 of 4 stars; one submission).

Conditions:
Hereditary cancer-predisposing syndrome. Also called: Hereditary Cancer Syndrome; Neoplastic Syndromes, Hereditary; Hereditary neoplastic syndrome; Tumor predisposition. Identifiers: Orphanet 140162, MedGen C0027672, MeSH D009386, MONDO:0015356.

Submission:

Ambry Genetics
Classification: Pathogenic for Hereditary cancer-predisposing syndrome. Last evaluated: 2013-02-08. Review status: criteria provided, single submitter. Criteria: Ambry Autosomal Dominant and X-Linked criteria (10/2015). Collection method: clinical testing. Allele origin: germline. Observed: 1 variant allele.
Comment: This alteration is expected to result in loss of function by premature protein truncation or nonsense-mediatedâ€¯mRNAâ€¯decay.â€¯As such, this alteration is interpreted as a disease-causing mutation.

NC_000013.11:g.48303931_48303933delinsGG

Gene: RB1 (RB transcriptional corepressor 1; plus strand). Cytogenetic location: 13q14.2.
Variant type: Indel.
Genome position: GRCh38 VCF-style: chr13-48303931-CGA-GG. GRCh37 (hg19) VCF-style: chr13-48878067-CGA-GG.
Other names: c.19_21delinsGG, p.Arg7fs (LRG_517t1).
Identifiers: ClinVar variation 428663 (VCV000428663.3), dbSNP rs1131690845, ClinGen allele CA645369600.
Genomic context (GRCh38, chr13:48,303,931, plus strand): 5'-CGCTCCTCCACAGCTCGCTGGCTCCCGCCGCGGAAAGGCGTCATGCCGCCCAAAACCCCC[CGA>GG]AAAACGGCCGCCACCGCCGCCGCTGCCGCCGCGGAACCCCCGGCACCGCCGCCGCCGCCC-3'